The following is an entry in ClinVar:

NM_002661.5(PLCG2):c.1194-10C>T

Gene: PLCG2 (phospholipase C gamma 2; plus strand). Cytogenetic location: 16q23.3.
Variant type: single nucleotide variant.
Coding change: c.1194-10C>T on transcript NM_002661.5 (MANE Select); 10 bases into the intron before coding-DNA position 1194, C replaced by T.
Molecular consequence: intron variant.
Genome position (GRCh38, 1-based): chr16:81,900,602, C>T. VCF-style: chr16-81900602-C-T. GRCh37 (hg19) VCF-style: chr16-81934207-C-T.
Identifiers: ClinVar variation 3031014 (VCV003031014.4), dbSNP rs1333994781, ClinGen allele CA624017201.

ClinVar aggregate classification (germline): Likely benign. Review status: criteria provided, single submitter (1 of 4 stars). 2 submissions from 2 submitters: Likely benign (1). 1 of the submissions does not count toward it. Last evaluated 2024-06-25.

Conditions:
PLCG2-related disorder. Also called: PLCG2-related condition.
Familial cold autoinflammatory syndrome 3 (FCAS3). Also called: FAMILIAL ATYPICAL COLD URTICARIA; ANTIBODY DEFICIENCY AND IMMUNE DYSREGULATION, PLCG2-ASSOCIATED. Identifiers: Orphanet 300359, MedGen C3280914, MONDO:0013766, OMIM 614468.

Allele frequency attached by ClinVar (database versions not stated): gnomAD exomes below 0.00001; TOPMed 0.00001; gnomAD 0.00003.
gnomAD v4.1: 7 of 1,583,442 alleles (0.00044%); highest among the groups gnomAD compares: African/African-American, 0.0054%; no homozygotes.

Submissions (2):

Labcorp Genetics (formerly Invitae), Labcorp
Classification: Likely benign for Familial cold autoinflammatory syndrome 3. Last evaluated: 2024-06-25. Review status: criteria provided, single submitter. Criteria: Invitae Variant Classification Sherloc (09022015). Collection method: clinical testing. Allele origin: germline.

PreventionGenetics, part of Exact Sciences
Classification: Likely benign for PLCG2-related condition. Last evaluated: 2021-12-27. Review status: no assertion criteria provided. Collection method: clinical testing. Allele origin: germline. Not counted in ClinVar's aggregate classification.
Comment: This variant is classified as likely benign based on ACMG/AMP sequence variant interpretation guidelines (Richards et al. 2015 PMID: 25741868, with internal and published modifications).